The following is an entry in ClinVar:

NM_001164665.2(KIAA1549):c.287A>G (p.Glu96Gly)

Gene: KIAA1549 (KIAA1549; minus strand). Cytogenetic location: 7q34.
Variant type: single nucleotide variant.
Coding change: c.287A>G on transcript NM_001164665.2 (MANE Select); coding-DNA position 287, A replaced by G.
Protein change: p.Glu96Gly; replaces glutamic acid 96 with glycine.
Molecular consequence: missense variant.
Genome position (GRCh38, 1-based): chr7:138,919,339, T>C on the plus strand (A>G on the coding strand, the complement: KIAA1549 is on the minus strand). VCF-style: chr7-138919339-T-C. GRCh37 (hg19) VCF-style: chr7-138604085-T-C.
Other names: c.287A>G, p.Glu96Gly (NM_020910.3); short protein forms E96G.
Identifiers: ClinVar variation 1993095 (VCV001993095.4), dbSNP rs1260115808, ClinGen allele CA369403384.

ClinVar aggregate classification (germline): Uncertain significance (1 of 4 stars; one submission).

Allele frequency attached by ClinVar (database versions not stated): gnomAD exomes below 0.00001.
gnomAD v4.1: 4 of 1,614,028 alleles (0.00025%); highest among the groups gnomAD compares: Non-Finnish European, 0.00034%; no homozygotes.

Submission:

Labcorp Genetics (formerly Invitae), Labcorp
Classification: Uncertain significance. Last evaluated: 2025-01-13. Review status: criteria provided, single submitter. Criteria: Invitae Variant Classification Sherloc (09022015). Collection method: clinical testing. Allele origin: germline.
Comment: This sequence change replaces glutamic acid, which is acidic and polar, with glycine, which is neutral and non-polar, at codon 96 of the KIAA1549 protein (p.Glu96Gly). This variant is not present in population databases (gnomAD no frequency). This variant has not been reported in the literature in individuals affected with KIAA1549-related conditions. ClinVar contains an entry for this variant (Variation ID: 1993095). An algorithm developed to predict the effect of missense changes on protein structure and function outputs the following: PolyPhen-2: "Benign". The glycine amino acid residue is found in multiple mammalian species, which suggests that this missense change does not adversely affect protein function. In summary, the available evidence is currently insufficient to determine the role of this variant in disease. Therefore, it has been classified as a Variant of Uncertain Significance.